The following is an entry in ClinVar:

NM_153717.3(EVC):c.982C>T (p.Leu328Phe)

Gene: EVC (EvC ciliary complex subunit 1; plus strand). Cytogenetic location: 4p16.2.
Variant type: single nucleotide variant.
Coding change: c.982C>T on transcript NM_153717.3 (MANE Select); coding-DNA position 982, C replaced by T.
Protein change: p.Leu328Phe; replaces leucine 328 with phenylalanine.
Molecular consequence: missense variant.
Genome position (GRCh38, 1-based): chr4:5,748,190, C>T. VCF-style: chr4-5748190-C-T. GRCh37 (hg19) VCF-style: chr4-5749917-C-T.
Other names: c.982C>T, p.Leu328Phe (NM_001306090.2, NM_001306092.2); short protein forms L328F.
Identifiers: ClinVar variation 349170 (VCV000349170.24), dbSNP rs199916502, ClinGen allele CA2835953.
Genomic context (GRCh38, chr4:5,748,190, plus strand): 5'-CTTGTGCTCATTTCACAGATGGAAGCTTTCTGGAAACAGATGGCAAATATCCAGCACTTT[C>T]TTGTGGACCAGTTTAAGTGTTCCAGCTCCAAAGCCCGACAGCTGATGATGACTCTGACGG-3'
Protein context (NP_714928.1, residues 318-338): WKQMANIQHF[Leu328Phe]VDQFKCSSSK

ClinVar aggregate classification (germline): Conflicting classifications of pathogenicity. Review status: criteria provided, conflicting classifications (1 of 4 stars). 6 submissions from 6 submitters: Uncertain significance (2); Likely benign (3). 1 of the submissions does not count toward it. Last evaluated 2026-01-26.

Conditions:
Ellis-van Creveld syndrome (EVC). Also called: MESOECTODERMAL DYSPLASIA; Chondroectodermal dysplasia. Identifiers: Orphanet 289, MedGen C0013903, MONDO:0009162, OMIM 225500.
Curry-Hall syndrome (WAD). Also called: WEYERS ACRODENTAL DYSOSTOSIS. Identifiers: Orphanet 952, MedGen C0457013, MONDO:0008673, OMIM 193530.

Allele frequency attached by ClinVar (database versions not stated): gnomAD 0.00011 and 0.00015; TOPMed 0.00011; gnomAD exomes 0.00023; ExAC 0.00033; 1000 Genomes Project 30x 0.00047; 1000 Genomes Project 0.00060.
gnomAD v4.1: 117 of 1,614,228 alleles (0.0072%); highest among the groups gnomAD compares: East Asian, 0.25%; 1 homozygote.

Submissions (6):

Labcorp Genetics (formerly Invitae), Labcorp
Classification: Likely benign for Curry-Hall syndrome; Ellis-van Creveld syndrome. Last evaluated: 2026-01-26. Review status: criteria provided, single submitter. Criteria: Invitae Variant Classification Sherloc (09022015). Collection method: clinical testing. Allele origin: germline.

Women's Health and Genetics/Laboratory Corporation of America, LabCorp
Classification: Uncertain significance. Last evaluated: 2025-05-26. Review status: criteria provided, single submitter. Criteria: LabCorp Variant Classification Summary - May 2015. Collection method: clinical testing. Allele origin: germline.
Comment: Variant summary: EVC c.982C>T (p.Leu328Phe) results in a non-conservative amino acid change in the encoded protein sequence. Algorithms developed to predict the effect of missense changes on protein structure and function are either unavailable or do not agree on the potential impact of this missense change. The variant allele was found at a frequency of 0.00023 in 251488 control chromosomes in the gnomAD database, including 1 homozygotes. This frequency is not significantly higher than estimated for a pathogenic variant in EVC causing Ellis-van Creveld syndrome, allowing no conclusion about variant significance. c.982C>T has been observed in compound heterozygous genotype in an individual affected with Ellis-van Creveld syndrome (Ren_2017). These report(s) do not provide unequivocal conclusions about association of the variant with Ellis-van Creveld syndrome. To our knowledge, no experimental evidence demonstrating an impact on protein function has been reported. The following publications have been ascertained in the context of this evaluation (PMID: 33452237, 28253570). ClinVar contains an entry for this variant (Variation ID: 349170). Based on the evidence outlined above, the variant was classified as uncertain significance.

Blueprint Genetics
Classification: Likely benign. Last evaluated: 2024-09-09. Review status: criteria provided, single submitter. Criteria: ACMG Guidelines, 2015. Collection method: clinical testing. Allele origin: germline.

GeneDx
Classification: Uncertain significance. Last evaluated: 2020-01-11. Review status: criteria provided, single submitter. Criteria: GeneDx Variant Classification Process June 2021. Collection method: clinical testing. Allele origin: germline. Affected: yes.
Comment: In silico analysis, which includes protein predictors and evolutionary conservation, supports a deleterious effect; Identified in a patient with Jeune asphyxiating thoracic dystrophy in the published literature (McInerney-Leo et al., 2015) who also had a variant in the DNYC2H1 gene and a homozygous variant in the TTC21B gene that was felt to be the cause of the patient's phenotype; This variant is associated with the following publications: (PMID: 28253570, 25492405)

Illumina Laboratory Services, Illumina
Classification: Likely benign for Ellis-van Creveld syndrome. Last evaluated: 2017-04-27. Review status: criteria provided, single submitter. Criteria: ICSL Variant Classification Criteria 13 December 2019. Collection method: clinical testing. Allele origin: germline.
Comment: This variant was observed as part of a predisposition screen in an ostensibly healthy population. A literature search was performed for the gene, cDNA change, and amino acid change (where applicable). No publications were found based on this search. Allele frequency data from public databases allowed determination this variant is unlikely to cause disease. Therefore, this variant is classified as likely benign.

Counsyl
Classification: Uncertain significance for Ellis-van Creveld syndrome. Last evaluated: 2018-03-08. Review status: no assertion criteria provided. Collection method: clinical testing. Allele origin: unknown. Not counted in ClinVar's aggregate classification.

Literature cited by the submitters: PubMed 33452237 (cited by Women's Health and Genetics/Laboratory Corporation of America, LabCorp); PubMed 28253570 (cited by Women's Health and Genetics/Laboratory Corporation of America, LabCorp); PubMed 25492405 (cited by Counsyl).